The following is an entry in ClinVar:

ClinVar aggregate classification (germline): Pathogenic/Likely pathogenic. Review status: criteria provided, multiple submitters, no conflicts (2 of 4 stars). 5 submissions from 5 submitters: Pathogenic (4); Likely pathogenic (1). Last evaluated 2024-05-02.

Conditions:
Nephronophthisis. Also called: Juvenile Nephronophthisis. Identifiers: Orphanet 655, MedGen C0687120, MONDO:0019005, HP:0000090.
IQCB1-related disorder. Also called: IQCB1-related condition.
Senior-Loken syndrome 5 (SLSN5). Identifiers: Orphanet 3156, MedGen C1836517, MONDO:0012225, OMIM 609254.

Allele frequency attached by ClinVar (database versions not stated): gnomAD exomes 0.00001; ExAC 0.00002.

Submissions (5):

Labcorp Genetics (formerly Invitae), Labcorp
Classification: Likely pathogenic for Nephronophthisis. Last evaluated: 2024-05-02. Review status: criteria provided, single submitter. Criteria: Invitae Variant Classification Sherloc (09022015). Collection method: clinical testing. Allele origin: germline.
Comment: This sequence change affects an acceptor splice site in intron 6 of the IQCB1 gene. It is expected to disrupt RNA splicing. Variants that disrupt the donor or acceptor splice site typically lead to a loss of protein function (PMID: 16199547), and loss-of-function variants in IQCB1 are known to be pathogenic (PMID: 15723066, 21901789, 23559409, 28041643). This variant is present in population databases (rs779696701, gnomAD 0.007%). Disruption of this splice site has been observed in individual(s) with Senior-Loken syndrome (PMID: 18076122, 21866095). ClinVar contains an entry for this variant (Variation ID: 812120). Algorithms developed to predict the effect of sequence changes on RNA splicing suggest that this variant may disrupt the consensus splice site. In summary, the currently available evidence indicates that the variant is pathogenic, but additional data are needed to prove that conclusively. Therefore, this variant has been classified as Likely Pathogenic.

Genomic Medicine Center of Excellence, King Faisal Specialist Hospital and Research Centre
Classification: Pathogenic for Senior-Loken syndrome 5. Last evaluated: 2024-04-04. Review status: criteria provided, single submitter. Criteria: ACMG Guidelines, 2015. Collection method: clinical testing. Allele origin: germline.

Baylor Genetics
Classification: Pathogenic for Senior-Loken syndrome 5. Last evaluated: 2023-09-11. Review status: criteria provided, single submitter. Criteria: ACMG Guidelines, 2015. Collection method: clinical testing. Allele origin: unknown.

Blueprint Genetics
Classification: Pathogenic for IQCB1-related disorders. Last evaluated: 2022-03-24. Review status: criteria provided, single submitter. Criteria: ACMG Guidelines, 2015. Collection method: clinical testing. Allele origin: germline. Affected: yes. Observed: 5 variant alleles.

Centre for Genomic Medicine, Manchester, Central Manchester University Hospitals
Classification: Pathogenic for Senior-Loken syndrome 5. Last evaluated: 2019-02-01. Review status: criteria provided, single submitter. Criteria: ACMG Guidelines, 2015. Collection method: clinical testing. Allele origin: germline. Affected: yes. Observed: 1 variant allele, 1 homozygote.

Literature cited by the submitters: PubMed 16199547 (cited by Labcorp Genetics (formerly Invitae), Labcorp); PubMed 15723066 (cited by Labcorp Genetics (formerly Invitae), Labcorp); PubMed 21901789 (cited by Labcorp Genetics (formerly Invitae), Labcorp); PubMed 23559409 (cited by Labcorp Genetics (formerly Invitae), Labcorp); PubMed 28041643 (cited by Labcorp Genetics (formerly Invitae), Labcorp); PubMed 18076122 (cited by Labcorp Genetics (formerly Invitae), Labcorp); PubMed 21866095 (cited by Labcorp Genetics (formerly Invitae), Labcorp).

NM_001023570.4(IQCB1):c.488-1G>A

Gene: IQCB1 (IQ motif containing B1; minus strand). Cytogenetic location: 3q13.33.
Variant type: single nucleotide variant.
Coding change: c.488-1G>A on transcript NM_001023570.4 (MANE Select); the canonical splice acceptor site of the intron before coding-DNA position 488, G replaced by A.
Molecular consequence: splice acceptor variant.
Genome position (GRCh38, 1-based): chr3:121,807,444, C>T on the plus strand (G>A on the coding strand, the complement: IQCB1 is on the minus strand). VCF-style: chr3-121807444-C-T. GRCh37 (hg19) VCF-style: chr3-121526291-C-T.
Other names: c.488-1G>A (NM_001319107.2, NM_001023571.4).
Identifiers: ClinVar variation 812120 (VCV000812120.6), dbSNP rs779696701, ClinGen allele CA2567390.